The following is an entry in ClinVar:

ClinVar aggregate classification (germline): Uncertain significance. Review status: criteria provided, multiple submitters, no conflicts (2 of 4 stars). 2 submissions from 2 submitters: Uncertain significance (2). Last evaluated 2025-01-27.

Conditions:
Mosaic variegated aneuploidy syndrome 2 (MVA2). Identifiers: Orphanet 1052, MedGen C3279843, MONDO:0013582, OMIM 614114.
Inborn genetic diseases. Identifiers: MedGen C0950123, MeSH D030342.

Submissions (2):

Ambry Genetics
Classification: Uncertain significance for Inborn genetic diseases. Last evaluated: 2025-01-27. Review status: criteria provided, single submitter. Criteria: Ambry Variant Classification Scheme 2023. Collection method: clinical testing. Allele origin: germline.
Comment: The p.N16K variant (also known as c.48C>A), located in coding exon 2 of the CEP57 gene, results from a C to A substitution at nucleotide position 48. The asparagine at codon 16 is replaced by lysine, an amino acid with similar properties. This amino acid position is conserved. In addition, this alteration is predicted to be tolerated by in silico analysis. Based on the available evidence, the clinical significance of this variant remains unclear.

Labcorp Genetics (formerly Invitae), Labcorp
Classification: Uncertain significance for Mosaic variegated aneuploidy syndrome 2. Last evaluated: 2022-09-24. Review status: criteria provided, single submitter. Criteria: Invitae Variant Classification Sherloc (09022015). Collection method: clinical testing. Allele origin: germline.
Comment: This variant has not been reported in the literature in individuals affected with CEP57-related conditions. This variant is not present in population databases (gnomAD no frequency). This sequence change replaces asparagine, which is neutral and polar, with lysine, which is basic and polar, at codon 16 of the CEP57 protein (p.Asn16Lys). In summary, the available evidence is currently insufficient to determine the role of this variant in disease. Therefore, it has been classified as a Variant of Uncertain Significance. Algorithms developed to predict the effect of sequence changes on RNA splicing suggest that this variant may disrupt the consensus splice site. Algorithms developed to predict the effect of missense changes on protein structure and function output the following: SIFT: "Tolerated"; PolyPhen-2: "Not Available"; Align-GVGD: "Class C0". The lysine amino acid residue is found in multiple mammalian species, which suggests that this missense change does not adversely affect protein function.

NM_014679.5(CEP57):c.48C>A (p.Asn16Lys)

Gene: CEP57 (centrosomal protein 57; plus strand). Cytogenetic location: 11q21.
Variant type: single nucleotide variant.
Coding change: c.48C>A on transcript NM_014679.5 (MANE Select); coding-DNA position 48, C replaced by A.
Protein change: p.Asn16Lys; replaces asparagine 16 with lysine.
Molecular consequence: missense variant. On other transcripts: 5 prime UTR variant (1).
Genome position (GRCh38, 1-based): chr11:95,799,234, C>A. VCF-style: chr11-95799234-C-A. GRCh37 (hg19) VCF-style: chr11-95532398-C-A.
Other names: c.48C>A (NM_014679.4); c.21C>A, p.Asn7Lys (NM_001243776.2); c.48C>A, p.Asn16Lys (NM_001243777.2); c.-34C>A (NM_001363604.2); short protein forms N16K, N7K.
Identifiers: ClinVar variation 1720273 (VCV001720273.7), dbSNP rs974481023, ClinGen allele CA382415380.